The following is an entry in ClinVar:

ClinVar aggregate classification (germline): Uncertain significance. Review status: criteria provided, multiple submitters, no conflicts (2 of 4 stars). 2 submissions from 2 submitters: Uncertain significance (2). Last evaluated 2025-10-03.

Conditions:
GP6-related disorder. Also called: GP6-related condition.

Allele frequency attached by ClinVar (database versions not stated): gnomAD exomes 0.00003; ESP Exome Variant Server 0.00008; ExAC 0.00012; gnomAD 0.00025; TOPMed 0.00034; 1000 Genomes Project 0.00040; 1000 Genomes Project 30x 0.00062.
gnomAD v4.1: 87 of 1,594,992 alleles (0.0055%); highest among the groups gnomAD compares: Admixed American, 0.072%; no homozygotes.

Submissions (2):

PreventionGenetics, part of Exact Sciences
Classification: Uncertain significance for GP6-related condition. Last evaluated: 2025-10-03. Review status: criteria provided, single submitter. Criteria: ACMG Guidelines, 2015. Collection method: clinical testing. Allele origin: germline.
Comment: The GP6 c.847A>T variant is predicted to result in the amino acid substitution p.Asn283Tyr. To our knowledge, this variant has not been reported in the literature. This variant is reported in 0.026% of alleles in individuals of Latino descent in gnomAD. At this time, the clinical significance of this variant is uncertain due to the absence of conclusive functional and genetic evidence.

Labcorp Genetics (formerly Invitae), Labcorp
Classification: Uncertain significance. Last evaluated: 2023-12-07. Review status: criteria provided, single submitter. Criteria: Invitae Variant Classification Sherloc (09022015). Collection method: clinical testing. Allele origin: germline.
Comment: This sequence change replaces asparagine, which is neutral and polar, with tyrosine, which is neutral and polar, at codon 283 of the GP6 protein (p.Asn283Tyr). This variant is present in population databases (rs201436629, gnomAD 0.03%). This variant has not been reported in the literature in individuals affected with GP6-related conditions. ClinVar contains an entry for this variant (Variation ID: 2047681). An algorithm developed to predict the effect of missense changes on protein structure and function (PolyPhen-2) suggests that this variant¬†is likely to be tolerated. In summary, the available evidence is currently insufficient to determine the role of this variant in disease. Therefore, it has been classified as a Variant of Uncertain Significance.

NM_016363.5(GP6):c.843A>T (p.Ile281=)

Gene: GP6 (glycoprotein VI platelet; minus strand). Cytogenetic location: 19q13.42.
Variant type: single nucleotide variant.
Coding change: c.843A>T on transcript NM_016363.5 (MANE Select); coding-DNA position 843, A replaced by T.
Protein change: p.Ile281=; no amino-acid change (isoleucine 281 retained).
Molecular consequence: synonymous variant. On other transcripts: missense variant (1).
Genome position (GRCh38, 1-based): chr19:55,015,098, T>A on the plus strand (A>T on the coding strand, the complement: GP6 is on the minus strand). VCF-style: chr19-55015098-T-A. GRCh37 (hg19) VCF-style: chr19-55526466-T-A.
Other names: c.847A>T, p.Asn283Tyr (NM_001083899.2); c.789A>T, p.Ile263= (NM_001256017.2); short protein forms N283Y.
Identifiers: ClinVar variation 2047681 (VCV002047681.3), dbSNP rs201436629, ClinGen allele CA310121934.